The following is an entry in ClinVar:

NM_000264.5(PTCH1):c.2687C>G (p.Pro896Arg)

Gene: PTCH1 (patched 1; minus strand). Cytogenetic location: 9q22.32.
Variant type: single nucleotide variant.
Coding change: c.2687C>G on transcript NM_000264.5 (MANE Select); coding-DNA position 2687, C replaced by G.
Protein change: p.Pro896Arg; replaces proline 896 with arginine.
Molecular consequence: missense variant. On other transcripts: non-coding transcript variant (1).
Genome position (GRCh38, 1-based): chr9:95,461,872, G>C on the plus strand (C>G on the coding strand, the complement: PTCH1 is on the minus strand). VCF-style: chr9-95461872-G-C. GRCh37 (hg19) VCF-style: chr9-98224154-G-C.
Other names: c.2489C>G, p.Pro830Arg (NM_001083602.3); c.2684C>G, p.Pro895Arg (NM_001083603.3); c.2234C>G, p.Pro745Arg (NM_001083604.3, NM_001083605.3, NM_001083606.3 and 1 more transcripts); c.2531C>G, p.Pro844Arg (NM_001354918.2); short protein forms P830R, P896R, P745R, P844R, P895R.
Identifiers: ClinVar variation 3427281 (VCV003427281.1).

ClinVar aggregate classification (germline): Uncertain significance (1 of 4 stars; one submission).

Conditions:
Hereditary cancer-predisposing syndrome. Also called: Neoplastic Syndromes, Hereditary; Tumor predisposition; Hereditary Cancer Syndrome; Hereditary neoplastic syndrome. Identifiers: Orphanet 140162, MedGen C0027672, MeSH D009386, MONDO:0015356.

Submission:

Ambry Genetics
Classification: Uncertain significance for Hereditary cancer-predisposing syndrome. Last evaluated: 2024-09-12. Review status: criteria provided, single submitter. Criteria: Ambry Variant Classification Scheme 2023. Collection method: clinical testing. Allele origin: germline.
Comment: The p.P896R variant (also known as c.2687C>G), located in coding exon 16 of the PTCH1 gene, results from a C to G substitution at nucleotide position 2687. The proline at codon 896 is replaced by arginine, an amino acid with dissimilar properties. This amino acid position is conserved. In addition, this alteration is predicted to be deleterious by in silico analysis. Based on the available evidence, the clinical significance of this variant remains unclear.